The following is an entry in ClinVar:

NM_000291.4(PGK1):c.919A>T (p.Ile307Leu)

Gene: PGK1 (phosphoglycerate kinase 1; plus strand). Cytogenetic location: Xq21.1.
Variant type: single nucleotide variant.
Coding change: c.919A>T on transcript NM_000291.4 (MANE Select); coding-DNA position 919, A replaced by T.
Protein change: p.Ile307Leu; replaces isoleucine 307 with leucine.
Molecular consequence: missense variant.
Genome position (GRCh38, 1-based): chrX:78,123,357, A>T. VCF-style: chrX-78123357-A-T. GRCh37 (hg19) VCF-style: chrX-77378854-A-T.
Other names: short protein forms I307L.
Identifiers: ClinVar variation 4812030 (VCV004812030.1).

ClinVar aggregate classification (germline): Uncertain significance (1 of 4 stars; one submission).

Submission:

Labcorp Genetics (formerly Invitae), Labcorp
Classification: Uncertain significance. Last evaluated: 2025-11-17. Review status: criteria provided, single submitter. Criteria: Invitae Variant Classification Sherloc (09022015). Collection method: clinical testing. Allele origin: germline.
Comment: This sequence change replaces isoleucine, which is neutral and non-polar, with leucine, which is neutral and non-polar, at codon 307 of the PGK1 protein (p.Ile307Leu). This variant is not present in population databases (gnomAD no frequency). This variant has not been reported in the literature in individuals affected with PGK1-related conditions. Invitae Evidence Modeling of protein sequence and biophysical properties (such as structural, functional, and spatial information, amino acid conservation, physicochemical variation, residue mobility, and thermodynamic stability) indicates that this missense variant is not expected to disrupt PGK1 protein function with a negative predictive value of 80%. In summary, the available evidence is currently insufficient to determine the role of this variant in disease. Therefore, it has been classified as a Variant of Uncertain Significance.